The following is an entry in ClinVar:

NM_003896.4(ST3GAL5):c.182G>A (p.Ser61Asn)

Gene: ST3GAL5 (ST3 beta-galactoside alpha-2,3-sialyltransferase 5; minus strand). Cytogenetic location: 2p11.2.
Variant type: single nucleotide variant.
Coding change: c.182G>A on transcript NM_003896.4 (MANE Select); coding-DNA position 182, G replaced by A.
Protein change: p.Ser61Asn; replaces serine 61 with asparagine.
Molecular consequence: missense variant. On other transcripts: 5 prime UTR variant (5).
Genome position (GRCh38, 1-based): chr2:85,863,386, C>T on the plus strand (G>A on the coding strand, the complement: ST3GAL5 is on the minus strand). VCF-style: chr2-85863386-C-T. GRCh37 (hg19) VCF-style: chr2-86090509-C-T.
Other names: c.113G>A, p.Ser38Asn (NM_001042437.2); c.-380G>A (NM_001354223.2, NM_001354226.2); c.-443G>A (NM_001354224.2); c.98G>A, p.Ser33Asn (NM_001354227.2, NM_001354229.2, NM_001354238.1); c.-820G>A (NM_001354233.2); c.-784G>A (NM_001354234.1); c.182G>A, p.Ser61Asn (NM_001363847.1); short protein forms S33N, S38N, S61N.
Identifiers: ClinVar variation 1014985 (VCV001014985.4), dbSNP rs577828669, ClinGen allele CA347534835.

ClinVar aggregate classification (germline): Uncertain significance (1 of 4 stars; one submission).

Conditions:
GM3 synthase deficiency (SPDRS). Also called: SALT AND PEPPER DEVELOPMENTAL REGRESSION SYNDROME; AMISH INFANTILE EPILEPSY SYNDROME; SALT AND PEPPER MENTAL RETARDATION SYNDROME. Identifiers: Orphanet 171714, Orphanet 370933, MedGen C1836824, MONDO:0018274, OMIM 609056.

Allele frequency attached by ClinVar (database versions not stated): gnomAD exomes below 0.00001; TOPMed below 0.00001.
gnomAD v4.1: 1 of 1,614,206 alleles (0.000062%); highest among the groups gnomAD compares: Non-Finnish European, 0.000085%; no homozygotes.

Submission:

Labcorp Genetics (formerly Invitae), Labcorp
Classification: Uncertain significance for GM3 synthase deficiency. Last evaluated: 2022-08-09. Review status: criteria provided, single submitter. Criteria: Invitae Variant Classification Sherloc (09022015). Collection method: clinical testing. Allele origin: germline.
Comment: This sequence change replaces serine, which is neutral and polar, with asparagine, which is neutral and polar, at codon 61 of the ST3GAL5 protein (p.Ser61Asn). This variant is not present in population databases (gnomAD no frequency). This variant has not been reported in the literature in individuals affected with ST3GAL5-related conditions. ClinVar contains an entry for this variant (Variation ID: 1014985). Algorithms developed to predict the effect of missense changes on protein structure and function output the following: SIFT: "Tolerated"; PolyPhen-2: "Benign"; Align-GVGD: "Class C0". The asparagine amino acid residue is found in multiple mammalian species, which suggests that this missense change does not adversely affect protein function. In summary, the available evidence is currently insufficient to determine the role of this variant in disease. Therefore, it has been classified as a Variant of Uncertain Significance.